The following is an entry in ClinVar:

NM_000548.5(TSC2):c.4141C>A (p.Pro1381Thr)

Gene: TSC2 (TSC complex subunit 2; plus strand). Cytogenetic location: 16p13.3.
Variant type: single nucleotide variant.
Coding change: c.4141C>A on transcript NM_000548.5 (MANE Select); coding-DNA position 4141, C replaced by A.
Protein change: p.Pro1381Thr; replaces proline 1381 with threonine.
Molecular consequence: missense variant. On other transcripts: non-coding transcript variant (5).
Genome position (GRCh38, 1-based): chr16:2,084,363, C>A. VCF-style: chr16-2084363-C-A. GRCh37 (hg19) VCF-style: chr16-2134364-C-A.
Other names: c.4012C>A, p.Pro1338Thr (NM_021055.3, NM_001370405.1); c.3940C>A, p.Pro1314Thr (NM_001077183.3); c.4072C>A, p.Pro1358Thr (NM_001114382.3); c.3832C>A, p.Pro1278Thr (NM_001318827.2); c.3796C>A, p.Pro1266Thr (NM_001318829.2); c.3409C>A, p.Pro1137Thr (NM_001318831.2); c.3973C>A, p.Pro1325Thr (NM_001318832.2); c.3943C>A, p.Pro1315Thr (NM_001363528.2); and 26 more; short protein forms P1115T, P1266T, P1308T, P1310T, P1325T, P1357T, P1381T, P866T.
Identifiers: ClinVar variation 2760486 (VCV002760486.3), dbSNP rs2090497403, ClinGen allele CA394299635.

ClinVar aggregate classification (germline): Uncertain significance (1 of 4 stars; one submission).

Conditions:
Tuberous sclerosis 2 (TSC2). Identifiers: Orphanet 805, MedGen C1860707, MONDO:0013199, OMIM 613254.

Allele frequency attached by ClinVar (database versions not stated): gnomAD exomes below 0.00001.
gnomAD v4.1: 2 of 1,612,622 alleles (0.00012%); highest among the groups gnomAD compares: Non-Finnish European, 0.00017%; no homozygotes.

Submission:

Labcorp Genetics (formerly Invitae), Labcorp
Classification: Uncertain significance for Tuberous sclerosis 2. Last evaluated: 2025-09-09. Review status: criteria provided, single submitter. Criteria: Invitae Variant Classification Sherloc (09022015). Collection method: clinical testing. Allele origin: germline.
Comment: This sequence change replaces proline, which is neutral and non-polar, with threonine, which is neutral and polar, at codon 1381 of the TSC2 protein (p.Pro1381Thr). This variant is not present in population databases (gnomAD no frequency). This variant has not been reported in the literature in individuals affected with TSC2-related conditions. ClinVar contains an entry for this variant (Variation ID: 2760486). Invitae Evidence Modeling of protein sequence and biophysical properties (such as structural, functional, and spatial information, amino acid conservation, physicochemical variation, residue mobility, and thermodynamic stability) indicates that this missense variant is not expected to disrupt TSC2 protein function with a negative predictive value of 95%. In summary, the available evidence is currently insufficient to determine the role of this variant in disease. Therefore, it has been classified as a Variant of Uncertain Significance.